The following is an entry in ClinVar:

ClinVar aggregate classification (germline): Benign/Likely benign. Review status: criteria provided, multiple submitters, no conflicts (2 of 4 stars). 9 submissions from 9 submitters: Benign (7); Likely benign (2). Last evaluated 2026-09-01.

Conditions:
Autoinflammatory syndrome. Identifiers: Orphanet 93665, MedGen C3890737, MONDO:0019751.
Familial cold autoinflammatory syndrome 2 (FCAS2). Identifiers: Orphanet 247868, MedGen C2673198, MONDO:0012724, OMIM 611762.

Allele frequency attached by ClinVar (database versions not stated): 1000 Genomes Project 0.00439; 1000 Genomes Project 30x 0.00484; TOPMed 0.00723; gnomAD 0.00806 and 0.00814; ExAC 0.00850; gnomAD exomes 0.00859 and 0.01089; ESP Exome Variant Server 0.00969.
gnomAD v4.1: 17,104 of 1,613,942 alleles (1.1%); highest among the groups gnomAD compares: Non-Finnish European, 1.2%; 144 homozygotes.

Submissions (9):

CeGaT Center for Human Genetics Tuebingen
Classification: Benign. Last evaluated: 2026-09-01. Review status: criteria provided, single submitter. Criteria: CeGaT Center For Human Genetics Tuebingen Variant Classification Criteria Version 2. Collection method: clinical testing. Allele origin: germline. Affected: yes. Observed: 41 variant alleles.
Comment: NLRP12: BP4, BP7, BS1, BS2

Labcorp Genetics (formerly Invitae), Labcorp
Classification: Benign for Familial cold autoinflammatory syndrome 2. Last evaluated: 2026-02-01. Review status: criteria provided, single submitter. Criteria: Invitae Variant Classification Sherloc (09022015). Collection method: clinical testing. Allele origin: germline.

Women's Health and Genetics/Laboratory Corporation of America, LabCorp
Classification: Benign. Last evaluated: 2026-01-22. Review status: criteria provided, single submitter. Criteria: LabCorp Variant Classification Summary - May 2015. Collection method: clinical testing. Allele origin: germline.

ARUP Laboratories, Molecular Genetics and Genomics, ARUP Laboratories
Classification: Benign for Familial cold autoinflammatory syndrome 2. Last evaluated: 2025-04-07. Review status: criteria provided, single submitter. Criteria: ARUP Molecular Germline Variant Investigation Process 2024. Collection method: clinical testing. Allele origin: germline.

Blueprint Genetics
Classification: Likely benign. Last evaluated: 2024-11-28. Review status: criteria provided, single submitter. Criteria: ACMG Guidelines, 2015. Collection method: clinical testing. Allele origin: germline.

Mayo Clinic Laboratories, Mayo Clinic
Classification: Benign. Last evaluated: 2023-02-24. Review status: criteria provided, single submitter. Criteria: ACMG Guidelines, 2015. Collection method: clinical testing. Allele origin: germline. Observed: 15 variant alleles.
Comment: BS1, BS2, BP4, BP7

Genome Diagnostics Laboratory, The Hospital for Sick Children
Classification: Benign for Autoinflammatory syndrome. Last evaluated: 2022-01-14. Review status: criteria provided, single submitter. Criteria: ACMG Guidelines, 2015. Collection method: clinical testing. Allele origin: germline. Affected: yes.

Breakthrough Genomics
Classification: Likely benign. Review status: criteria provided, single submitter. Criteria: ACMG Guidelines, 2015. Collection method: not provided. Allele origin: germline. Inheritance: Autosomal dominant inheritance. Affected: yes.

PreventionGenetics, part of Exact Sciences
Classification: Benign. Review status: criteria provided, single submitter. Criteria: ACMG Guidelines, 2015. Collection method: clinical testing. Allele origin: germline.

NM_144687.4(NLRP12):c.969T>G (p.Leu323=)

Gene: NLRP12 (NLR family pyrin domain containing 12; minus strand). Cytogenetic location: 19q13.42.
Variant type: single nucleotide variant.
Coding change: c.969T>G on transcript NM_144687.4 (MANE Select); coding-DNA position 969, T replaced by G.
Protein change: p.Leu323=; no amino-acid change (leucine 323 retained).
Molecular consequence: synonymous variant.
Genome position (GRCh38, 1-based): chr19:53,810,690, A>C on the plus strand (T>G on the coding strand, the complement: NLRP12 is on the minus strand). VCF-style: chr19-53810690-A-C. GRCh37 (hg19) VCF-style: chr19-54313944-A-C.
Other names: p.Leu323=; c.969T>G, p.Leu323= (NM_001277126.2, NM_001277129.1).
Identifiers: ClinVar variation 262533 (VCV000262533.66), dbSNP rs142063194, ClinGen allele CA9639553.